The following is an entry in ClinVar:

NM_017934.7(PHIP):c.1394A>G (p.His465Arg)

Gene: PHIP (PHIP subunit of CUL4-Ring ligase complex; minus strand). Cytogenetic location: 6q14.1.
Variant type: single nucleotide variant.
Coding change: c.1394A>G on transcript NM_017934.7 (MANE Select); coding-DNA position 1394, A replaced by G.
Protein change: p.His465Arg; replaces histidine 465 with arginine.
Molecular consequence: missense variant.
Genome position (GRCh38, 1-based): chr6:79,015,212, T>C on the plus strand (A>G on the coding strand, the complement: PHIP is on the minus strand). VCF-style: chr6-79015212-T-C. GRCh37 (hg19) VCF-style: chr6-79724929-T-C.
Other names: short protein forms H465R.
Identifiers: ClinVar variation 4627388 (VCV004627388.1).

ClinVar aggregate classification (germline): Likely pathogenic (1 of 4 stars; one submission).

Conditions:
Inborn genetic diseases. Identifiers: MedGen C0950123, MeSH D030342.

gnomAD v4.1: 2 of 1,607,378 alleles (0.00012%); highest among the groups gnomAD compares: South Asian, 0.0011%; no homozygotes.

Submission:

Ambry Genetics
Classification: Likely pathogenic for Inborn genetic diseases. Last evaluated: 2025-11-13. Review status: criteria provided, single submitter. Criteria: Ambry Variant Classification Scheme 2023. Collection method: clinical testing. Allele origin: germline.
Comment: The c.1394A>G (p.H465R) alteration is located in exon 15 (coding exon 15) of the PHIP gene. This alteration results from an A to G substitution at nucleotide position 1394, causing the histidine (H) at amino acid position 465 to be replaced by an arginine (R). The Genome Aggregation Database (gnomAD) data for this variant is unreliable due to technical and/or biological issues; therefore, population frequency estimates were not considered. This amino acid position is highly conserved in available vertebrate species. This missense alteration is located in a region that has a low rate of benign missense variation (Lek, 2016; Firth, 2009). This alteration is predicted to be deleterious by in silico analysis. Based on the available evidence, this alteration is classified as likely pathogenic.